The following is an entry in ClinVar:

ClinVar aggregate classification (germline): Uncertain significance. Review status: criteria provided, multiple submitters, no conflicts (2 of 4 stars). 2 submissions from 2 submitters: Uncertain significance (2). Last evaluated 2021-11-01.

Allele frequency attached by ClinVar (database versions not stated): gnomAD 0.00001; TOPMed 0.00001.
gnomAD v4.1: 3 of 1,614,100 alleles (0.00019%); highest among the groups gnomAD compares: East Asian, 0.0022%; no homozygotes.

Submissions (2):

Blueprint Genetics
Classification: Uncertain significance. Last evaluated: 2021-11-01. Review status: criteria provided, single submitter. Criteria: ACMG Guidelines, 2015. Collection method: clinical testing. Allele origin: germline.

GeneDx
Classification: Uncertain significance. Last evaluated: 2019-10-25. Review status: criteria provided, single submitter. Criteria: GeneDx Variant Classification Process June 2021. Collection method: clinical testing. Allele origin: germline. Affected: yes.
Comment: Not observed in large population cohorts (Lek et al., 2016); In silico analysis, which includes protein predictors and evolutionary conservation, supports a deleterious effect; Has not been previously published as pathogenic or benign to our knowledge

NM_016343.4(CENPF):c.641C>T (p.Ser214Leu)

Gene: CENPF (centromere protein F; plus strand). Cytogenetic location: 1q41.
Variant type: single nucleotide variant.
Coding change: c.641C>T on transcript NM_016343.4 (MANE Select); coding-DNA position 641, C replaced by T.
Protein change: p.Ser214Leu; replaces serine 214 with leucine.
Molecular consequence: missense variant.
Genome position (GRCh38, 1-based): chr1:214,620,722, C>T. VCF-style: chr1-214620722-C-T. GRCh37 (hg19) VCF-style: chr1-214794065-C-T.
Other names: short protein forms S214L.
Identifiers: ClinVar variation 1309762 (VCV001309762.3), dbSNP rs1458854763, ClinGen allele CA344830952.